The following is an entry in ClinVar:

ClinVar aggregate classification (germline): Uncertain significance (1 of 4 stars; one submission).

Conditions:
Gastrointestinal stromal tumor. Also called: Gastrointestinal stromal tumor, somatic; Gastrointestinal stroma tumor. Identifiers: Orphanet 44890, MedGen C0238198, MeSH D046152, MONDO:0011719, OMIM 606764, HP:0100723.

Submission:

Labcorp Genetics (formerly Invitae), Labcorp
Classification: Uncertain significance for Gastrointestinal stromal tumor. Last evaluated: 2025-10-18. Review status: criteria provided, single submitter. Criteria: Invitae Variant Classification Sherloc (09022015). Collection method: clinical testing. Allele origin: germline.
Comment: This sequence change replaces serine, which is neutral and polar, with threonine, which is neutral and polar, at codon 44 of the PDGFRA protein (p.Ser44Thr). This variant is not present in population databases (gnomAD no frequency). This variant has not been reported in the literature in individuals affected with PDGFRA-related conditions. An algorithm developed to predict the effect of missense changes on protein structure and function (PolyPhen-2) suggests that this variant is likely to be tolerated. In summary, the available evidence is currently insufficient to determine the role of this variant in disease. Therefore, it has been classified as a Variant of Uncertain Significance.

NM_006206.6(PDGFRA):c.130T>A (p.Ser44Thr)

Gene: PDGFRA (platelet derived growth factor receptor alpha; plus strand). Cytogenetic location: 4q12.
Variant type: single nucleotide variant.
Coding change: c.130T>A on transcript NM_006206.6 (MANE Select); coding-DNA position 130, T replaced by A.
Protein change: p.Ser44Thr; replaces serine 44 with threonine.
Molecular consequence: missense variant.
Genome position (GRCh38, 1-based): chr4:54,261,175, T>A. VCF-style: chr4-54261175-T-A. GRCh37 (hg19) VCF-style: chr4-55127342-T-A.
Other names: c.130T>A, p.Ser44Thr (NM_001347827.2, NM_001347829.2); c.205T>A, p.Ser69Thr (NM_001347828.2); c.169T>A, p.Ser57Thr (NM_001347830.2); short protein forms S44T, S57T, S69T.
Identifiers: ClinVar variation 4729427 (VCV004729427.1).
Genomic context (GRCh38, chr4:54,261,175, plus strand): 5'-CAGCTTTCATTACCCTCTATCCTTCCAAATGAAAATGAAAAGGTTGTGCAGCTGAATTCA[T>A]CCTTTTCTCTGAGATGCTTTGGGGAGAGTGAAGTGAGCTGGCAGTACCCCATGTCTGAAG-3'
Protein context (NP_006197.1, residues 34-54): ENEKVVQLNS[Ser44Thr]FSLRCFGESE